The following is an entry in ClinVar:

NM_001372.4(DNAH9):c.2633A>G (p.Asn878Ser)

Gene: DNAH9 (dynein axonemal heavy chain 9; plus strand). Cytogenetic location: 17p12.
Variant type: single nucleotide variant.
Coding change: c.2633A>G on transcript NM_001372.4 (MANE Select); coding-DNA position 2633, A replaced by G.
Protein change: p.Asn878Ser; replaces asparagine 878 with serine.
Molecular consequence: missense variant.
Genome position (GRCh38, 1-based): chr17:11,664,870, A>G. VCF-style: chr17-11664870-A-G. GRCh37 (hg19) VCF-style: chr17-11568187-A-G.
Other names: short protein forms N878S.
Identifiers: ClinVar variation 1349323 (VCV001349323.7), dbSNP rs762224444, ClinGen allele CA8395235.

ClinVar aggregate classification (germline): Uncertain significance (1 of 4 stars; one submission).

Allele frequency attached by ClinVar (database versions not stated): TOPMed below 0.00001; gnomAD 0.00001; gnomAD exomes 0.00001 and 0.00002; ExAC 0.00002.
gnomAD v4.1: 10 of 1,613,118 alleles (0.00062%); highest among the groups gnomAD compares: Admixed American, 0.01%; no homozygotes.

Submission:

Labcorp Genetics (formerly Invitae), Labcorp
Classification: Uncertain significance. Last evaluated: 2023-09-23. Review status: criteria provided, single submitter. Criteria: Invitae Variant Classification Sherloc (09022015). Collection method: clinical testing. Allele origin: germline.
Comment: In summary, the available evidence is currently insufficient to determine the role of this variant in disease. Therefore, it has been classified as a Variant of Uncertain Significance. Algorithms developed to predict the effect of missense changes on protein structure and function output the following: SIFT: "Not Available"; PolyPhen-2: "Benign"; Align-GVGD: "Not Available". The serine amino acid residue is found in multiple mammalian species, which suggests that this missense change does not adversely affect protein function. ClinVar contains an entry for this variant (Variation ID: 1349323). This variant has not been reported in the literature in individuals affected with DNAH9-related conditions. This variant is present in population databases (rs762224444, gnomAD 0.01%). This sequence change replaces asparagine, which is neutral and polar, with serine, which is neutral and polar, at codon 878 of the DNAH9 protein (p.Asn878Ser).